The following is an entry in ClinVar:

ClinVar aggregate classification (germline): Benign. Review status: criteria provided, multiple submitters, no conflicts (2 of 4 stars). 4 submissions from 3 submitters: Benign (4). Last evaluated 2021-05-12.

Conditions:
Autosomal recessive nonsyndromic hearing loss 4 (DFNB4). Also called: FOXI1-Related Pendred Syndrome; KCNJ10-Related Pendred Syndrome; DEAFNESS, AUTOSOMAL RECESSIVE 4, WITH ENLARGED VESTIBULAR AQUEDUCT, DIGENIC; NEUROSENSORY NONSYNDROMIC RECESSIVE DEAFNESS 4; Nonsyndromic enlarged vestibular aqueduct (NSEVA); Deafness, autosomal recessive 4, with enlarged vestibular aqueduct. Identifiers: Orphanet 90636, MedGen C3538946, MONDO:0010933, OMIM 600791.
EAST syndrome (SESAMES). Also called: SEIZURES, SENSORINEURAL DEAFNESS, ATAXIA, IMPAIRED INTELLECTUAL DEVELOPMENT, AND ELECTROLYTE IMBALANCE. Identifiers: Orphanet 199343, MedGen C2748572, MONDO:0013005, OMIM 612780.

Allele frequency attached by ClinVar (database versions not stated): gnomAD exomes 0.36010; gnomAD 0.45769 and 0.45911; TOPMed 0.46707; 1000 Genomes Project 0.48103; 1000 Genomes Project 30x 0.48657.
gnomAD v4.1: 69,046 of 151,462 alleles (46%); highest among the groups gnomAD compares: African/African-American, 61%; 16,696 homozygotes.

Submissions (4):

GeneDx
Classification: Benign. Last evaluated: 2021-05-12. Review status: criteria provided, single submitter. Criteria: GeneDx Variant Classification Process June 2021. Collection method: clinical testing. Allele origin: germline. Affected: yes.

Illumina Laboratory Services, Illumina
Classification: Benign for EAST syndrome. Last evaluated: 2018-01-13. Review status: criteria provided, single submitter. Criteria: ICSL Variant Classification Criteria 13 December 2019. Collection method: clinical testing. Allele origin: germline.
Comment: This variant was observed in the ICSL laboratory as part of a predisposition screen in an ostensibly healthy population. It had not been previously curated by ICSL or reported in the Human Gene Mutation Database (HGMD: prior to June 1st, 2018), and was therefore a candidate for classification through an automated scoring system. Utilizing variant allele frequency, disease prevalence and penetrance estimates, and inheritance mode, an automated score was calculated to assess if this variant is too frequent to cause the disease. Based on the score and internal cut-off values, a variant classified as benign is not then subjected to further curation. The score for this variant resulted in a classification of benign for this disease.

Illumina Laboratory Services, Illumina
Classification: Benign for Autosomal recessive nonsyndromic hearing loss 4. Last evaluated: 2018-01-13. Review status: criteria provided, single submitter. Criteria: ICSL Variant Classification Criteria 13 December 2019. Collection method: clinical testing. Allele origin: germline.
Comment: the same text as in the submission from Illumina Laboratory Services, Illumina above.

Breakthrough Genomics
Classification: Benign. Review status: criteria provided, single submitter. Criteria: ACMG Guidelines, 2015. Collection method: not provided. Allele origin: germline. Inheritance: Autosomal recessive inheritance. Affected: yes.

NM_002241.5(KCNJ10):c.*2062T>G

Gene: KCNJ10 (potassium inwardly rectifying channel subfamily J member 10; minus strand). Cytogenetic location: 1q23.2.
Variant type: single nucleotide variant.
Coding change: c.*2062T>G on transcript NM_002241.5 (MANE Select); 2062 bases downstream of the stop codon, T replaced by G.
Molecular consequence: 3 prime UTR variant.
Genome position (GRCh38, 1-based): chr1:160,039,331, A>C on the plus strand (T>G on the coding strand, the complement: KCNJ10 is on the minus strand). VCF-style: chr1-160039331-A-C. GRCh37 (hg19) VCF-style: chr1-160009121-A-C.
Identifiers: ClinVar variation 293090 (VCV000293090.7), dbSNP rs1053074, ClinGen allele CA10607906.
Genomic context (GRCh38, chr1:160,039,331, plus strand): 5'-GAGTCTGGGGGCTTAGAATAGACAGCAGGGGAATGGGAAGAAAGCATAGCATGGCCAAAT[A>C]AACCAGATGGAGGTTAACTTGGCAATGGATAGGAAGGTATAGACACACACACACACACAC-3'